The following is an entry in ClinVar:

NM_004517.4(ILK):c.1301C>A (p.Ala434Glu)

Genes: TAF10 (TATA-box binding protein associated factor 10; minus strand), ILK (integrin linked kinase; plus strand). Cytogenetic location: 11p15.4.
Variant type: single nucleotide variant.
Coding change: c.1301C>A on transcript NM_004517.4 (MANE Select); coding-DNA position 1301, C replaced by A.
Protein change: p.Ala434Glu; replaces alanine 434 with glutamic acid.
Molecular consequence: missense variant. On other transcripts: 3 prime UTR variant (1).
Genome position (GRCh38, 1-based): chr11:6,610,553, C>A. VCF-style: chr11-6610553-C-A. GRCh37 (hg19) VCF-style: chr11-6631784-C-A.
Other names: c.1301C>A, p.Ala434Glu (NM_001014794.3, NM_001014795.3); c.1118C>A, p.Ala373Glu (NM_001278441.2); c.899C>A, p.Ala300Glu (NM_001278442.2); c.*369G>T (NM_006284.4); short protein forms A300E, A373E, A434E.
Identifiers: ClinVar variation 1063121 (VCV001063121.9), dbSNP rs2134576889, ClinGen allele CA379468313.

ClinVar aggregate classification (germline): Uncertain significance (1 of 4 stars; one submission).

Conditions:
Primary familial hypertrophic cardiomyopathy (HCM). Identifiers: Orphanet 99739, MedGen C0949658, MeSH D024741, MONDO:0024573. Inheritance: Various modes of inheritance.

Submission:

Labcorp Genetics (formerly Invitae), Labcorp
Classification: Uncertain significance for Primary familial hypertrophic cardiomyopathy. Last evaluated: 2020-10-01. Review status: criteria provided, single submitter. Criteria: Invitae Variant Classification Sherloc (09022015). Collection method: clinical testing. Allele origin: germline.
Comment: In summary, the available evidence is currently insufficient to determine the role of this variant in disease. Therefore, it has been classified as a Variant of Uncertain Significance. This sequence change replaces alanine with glutamic acid at codon 434 of the ILK protein (p.Ala434Glu). The alanine residue is highly conserved and there is a moderate physicochemical difference between alanine and glutamic acid. This variant is not present in population databases (ExAC no frequency). This variant has not been reported in the literature in individuals with ILK-related conditions. Algorithms developed to predict the effect of missense changes on protein structure and function are either unavailable or do not agree on the potential impact of this missense change (SIFT: "Deleterious"; PolyPhen-2: "Probably Damaging"; Align-GVGD: "Class C0").